The following is an entry in ClinVar:

NM_001363711.2(DUOX2):c.1684T>C (p.Trp562Arg)

Gene: DUOX2 (dual oxidase 2; minus strand). Cytogenetic location: 15q21.1.
Variant type: single nucleotide variant.
Coding change: c.1684T>C on transcript NM_001363711.2 (MANE Select); coding-DNA position 1684, T replaced by C.
Protein change: p.Trp562Arg; replaces tryptophan 562 with arginine.
Molecular consequence: missense variant.
Genome position (GRCh38, 1-based): chr15:45,107,354, A>G on the plus strand (T>C on the coding strand, the complement: DUOX2 is on the minus strand). VCF-style: chr15-45107354-A-G. GRCh37 (hg19) VCF-style: chr15-45399552-A-G.
Other names: c.1684T>C, p.Trp562Arg (NM_014080.5); short protein forms W562R.
Identifiers: ClinVar variation 3684722 (VCV003684722.2).

ClinVar aggregate classification (germline): Uncertain significance (1 of 4 stars; one submission).

gnomAD v4.1: 2 of 1,614,258 alleles (0.00012%); highest among the groups gnomAD compares: East Asian, 0.0045%; no homozygotes.

Submission:

Labcorp Genetics (formerly Invitae), Labcorp
Classification: Uncertain significance. Last evaluated: 2024-11-23. Review status: criteria provided, single submitter. Criteria: Invitae Variant Classification Sherloc (09022015). Collection method: clinical testing. Allele origin: germline.
Comment: This sequence change replaces tryptophan, which is neutral and slightly polar, with arginine, which is basic and polar, at codon 562 of the DUOX2 protein (p.Trp562Arg). This variant is present in population databases (rs774076526, gnomAD 0.006%). This variant has not been reported in the literature in individuals affected with DUOX2-related conditions. Invitae Evidence Modeling of protein sequence and biophysical properties (such as structural, functional, and spatial information, amino acid conservation, physicochemical variation, residue mobility, and thermodynamic stability) indicates that this missense variant is not expected to disrupt DUOX2 protein function with a negative predictive value of 80%. In summary, the available evidence is currently insufficient to determine the role of this variant in disease. Therefore, it has been classified as a Variant of Uncertain Significance.